The following is an entry in ClinVar:

ClinVar aggregate classification (germline): Uncertain significance (1 of 4 stars; one submission).

Allele frequency attached by ClinVar (database versions not stated): ExAC 0.00001; gnomAD exomes 0.00001.
gnomAD v4.1: 3 of 1,613,452 alleles (0.00019%); highest among the groups gnomAD compares: South Asian, 0.0033%; no homozygotes.

Submission:

Labcorp Genetics (formerly Invitae), Labcorp
Classification: Uncertain significance. Last evaluated: 2022-02-06. Review status: criteria provided, single submitter. Criteria: Invitae Variant Classification Sherloc (09022015). Collection method: clinical testing. Allele origin: germline.
Comment: This variant has not been reported in the literature in individuals affected with LAMC3-related conditions. In summary, the available evidence is currently insufficient to determine the role of this variant in disease. Therefore, it has been classified as a Variant of Uncertain Significance. Algorithms developed to predict the effect of missense changes on protein structure and function (SIFT, PolyPhen-2, Align-GVGD) all suggest that this variant is likely to be tolerated. This variant is present in population databases (rs769672659, gnomAD 0.007%). This sequence change replaces arginine, which is basic and polar, with serine, which is neutral and polar, at codon 1336 of the LAMC3 protein (p.Arg1336Ser).

NM_006059.4(LAMC3):c.4008G>T (p.Arg1336Ser)

Gene: LAMC3 (laminin subunit gamma 3; plus strand). Cytogenetic location: 9q34.12.
Variant type: single nucleotide variant.
Coding change: c.4008G>T on transcript NM_006059.4 (MANE Select); coding-DNA position 4008, G replaced by T.
Protein change: p.Arg1336Ser; replaces arginine 1336 with serine.
Molecular consequence: missense variant.
Genome position (GRCh38, 1-based): chr9:131,082,139, G>T. VCF-style: chr9-131082139-G-T. GRCh37 (hg19) VCF-style: chr9-133957526-G-T.
Other names: short protein forms R1336S.
Identifiers: ClinVar variation 2093819 (VCV002093819.4), dbSNP rs769672659, ClinGen allele CA5288006.